The following is an entry in ClinVar:

ClinVar aggregate classification (germline): Pathogenic (1 of 4 stars; one submission).

Conditions:
Tay-Sachs disease (TSD). Also called: HEXA DEFICIENCY; HEXA Disorders; GM2 gangliosidosis, type 1; Hexosaminidase alpha-subunit deficiency (variant B); Sphingolipidosis, Tay-Sachs; Hexosaminidase A Deficiency. Identifiers: Orphanet 845, MedGen C0039373, MONDO:0010100, OMIM 272800.

Submission:

Labcorp Genetics (formerly Invitae), Labcorp
Classification: Pathogenic for Tay-Sachs disease. Last evaluated: 2022-10-06. Review status: criteria provided, single submitter. Criteria: Invitae Variant Classification Sherloc (09022015). Collection method: clinical testing. Allele origin: germline.
Comment: For these reasons, this variant has been classified as Pathogenic. This variant has not been reported in the literature in individuals affected with HEXA-related conditions. This variant is a gross deletion of the genomic region encompassing exon(s) 11-12 of the HEXA gene. This deletion is out-of-frame, and is expected to create a premature termination codon and result in an absent or disrupted protein product. Loss-of-function variants in HEXA are known to be pathogenic (PMID: 1833974, 8490625).

Literature cited by the submitters: PubMed 1833974; PubMed 8490625.

NC_000015.9:g.(?_72638556)_(72639071_?)del

Gene: HEXA (hexosaminidase subunit alpha; minus strand). Cytogenetic location: 15q23.
Variant type: Deletion.
Identifiers: ClinVar variation 2423191 (VCV002423191.3).